The following is an entry in ClinVar:

NM_012463.4(ATP6V0A2):c.1019G>A (p.Arg340Gln)

Gene: ATP6V0A2 (ATPase H+ transporting V0 subunit a2; plus strand). Cytogenetic location: 12q24.31.
Variant type: single nucleotide variant.
Coding change: c.1019G>A on transcript NM_012463.4 (MANE Select); coding-DNA position 1019, G replaced by A.
Protein change: p.Arg340Gln; replaces arginine 340 with glutamine.
Molecular consequence: missense variant.
Genome position (GRCh38, 1-based): chr12:123,737,252, G>A. VCF-style: chr12-123737252-G-A. GRCh37 (hg19) VCF-style: chr12-124221799-G-A.
Other names: c.1019G>A (NM_012463.3); short protein forms R340Q.
Identifiers: ClinVar variation 2911105 (VCV002911105.3), dbSNP rs188879714, ClinGen allele CA6861794.

ClinVar aggregate classification (germline): Uncertain significance. Review status: criteria provided, multiple submitters, no conflicts (2 of 4 stars). 2 submissions from 2 submitters: Uncertain significance (2). Last evaluated 2025-07-29.

Conditions:
ALG9 congenital disorder of glycosylation (CDG1L). Also called: CONGENITAL DISORDER OF GLYCOSYLATION, TYPE Il; CDG Il; ALG9-CDG. Identifiers: Orphanet 79328, MedGen C2931006, MONDO:0012117, OMIM 608776.

Allele frequency attached by ClinVar (database versions not stated): TOPMed below 0.00001; gnomAD 0.00001; ExAC 0.00004; 1000 Genomes Project 30x 0.00016; 1000 Genomes Project 0.00020.
gnomAD v4.1: 16 of 1,614,114 alleles (0.00099%); highest among the groups gnomAD compares: South Asian, 0.0055%; no homozygotes.

Submissions (2):

GeneDx
Classification: Uncertain significance. Last evaluated: 2025-07-29. Review status: criteria provided, single submitter. Criteria: GeneDx Variant Classification Process June 2021. Collection method: clinical testing. Allele origin: germline. Affected: yes.
Comment: Not observed at significant frequency in large population cohorts (gnomAD); In silico analysis suggests that this missense variant does not alter protein structure/function; Has not been previously published as pathogenic or benign to our knowledge

Labcorp Genetics (formerly Invitae), Labcorp
Classification: Uncertain significance for ALG9 congenital disorder of glycosylation. Last evaluated: 2023-04-25. Review status: criteria provided, single submitter. Criteria: Invitae Variant Classification Sherloc (09022015). Collection method: clinical testing. Allele origin: germline.
Comment: In summary, the available evidence is currently insufficient to determine the role of this variant in disease. Therefore, it has been classified as a Variant of Uncertain Significance. Advanced modeling of protein sequence and biophysical properties (such as structural, functional, and spatial information, amino acid conservation, physicochemical variation, residue mobility, and thermodynamic stability) performed at Invitae indicates that this missense variant is not expected to disrupt ATP6V0A2 protein function. This variant has not been reported in the literature in individuals affected with ATP6V0A2-related conditions. This variant is present in population databases (rs188879714, gnomAD 0.003%). This sequence change replaces arginine, which is basic and polar, with glutamine, which is neutral and polar, at codon 340 of the ATP6V0A2 protein (p.Arg340Gln).